The following is an entry in ClinVar:

NM_005413.4(SIX3):c.329G>T (p.Arg110Leu)

Gene: SIX3 (SIX homeobox 3; plus strand). Cytogenetic location: 2p21.
Variant type: single nucleotide variant.
Coding change: c.329G>T on transcript NM_005413.4 (MANE Select); coding-DNA position 329, G replaced by T.
Protein change: p.Arg110Leu; replaces arginine 110 with leucine.
Molecular consequence: missense variant.
Genome position (GRCh38, 1-based): chr2:44,942,433, G>T. VCF-style: chr2-44942433-G-T. GRCh37 (hg19) VCF-style: chr2-45169572-G-T.
Other names: short protein forms R110L.
Identifiers: ClinVar variation 4082856 (VCV004082856.1).

ClinVar aggregate classification (germline): Uncertain significance (1 of 4 stars; one submission).

Submission:

GeneDx
Classification: Uncertain significance. Last evaluated: 2025-03-10. Review status: criteria provided, single submitter. Criteria: GeneDx Variant Classification Process June 2021. Collection method: clinical testing. Allele origin: germline. Affected: yes.
Comment: Not observed at significant frequency in large population cohorts (gnomAD); In silico analysis supports that this missense variant has a deleterious effect on protein structure/function; Has not been previously published as pathogenic or benign to our knowledge